The following is an entry in ClinVar:

NM_030912.3(TRIM8):c.655C>T (p.Arg219Cys)

Gene: TRIM8 (tripartite motif containing 8; plus strand). Cytogenetic location: 10q24.32.
Variant type: single nucleotide variant.
Coding change: c.655C>T on transcript NM_030912.3 (MANE Select); coding-DNA position 655, C replaced by T.
Protein change: p.Arg219Cys; replaces arginine 219 with cysteine.
Molecular consequence: missense variant. On other transcripts: non-coding transcript variant (1), intron variant (1).
Genome position (GRCh38, 1-based): chr10:102,654,737, C>T. VCF-style: chr10-102654737-C-T. GRCh37 (hg19) VCF-style: chr10-104414494-C-T.
Other names: c.571-343C>T (NM_001345950.1); short protein forms R219C.
Identifiers: ClinVar variation 2978379 (VCV002978379.3), dbSNP rs925748319, ClinGen allele CA212266061.

ClinVar aggregate classification (germline): Uncertain significance (1 of 4 stars; one submission).

gnomAD v4.1: 11 of 1,613,860 alleles (0.00068%); highest among the groups gnomAD compares: Non-Finnish European, 0.00093%; no homozygotes.

Submission:

Labcorp Genetics (formerly Invitae), Labcorp
Classification: Uncertain significance. Last evaluated: 2022-12-04. Review status: criteria provided, single submitter. Criteria: Invitae Variant Classification Sherloc (09022015). Collection method: clinical testing. Allele origin: germline.
Comment: This variant has not been reported in the literature in individuals affected with TRIM8-related conditions. Algorithms developed to predict the effect of missense changes on protein structure and function (SIFT, PolyPhen-2, Align-GVGD) all suggest that this variant is likely to be tolerated. In summary, the available evidence is currently insufficient to determine the role of this variant in disease. Therefore, it has been classified as a Variant of Uncertain Significance. This variant is not present in population databases (gnomAD no frequency). This sequence change replaces arginine, which is basic and polar, with cysteine, which is neutral and slightly polar, at codon 219 of the TRIM8 protein (p.Arg219Cys).